The following is an entry in ClinVar:

ClinVar aggregate classification (germline): Uncertain significance (1 of 4 stars; one submission).

Allele frequency attached by ClinVar (database versions not stated): gnomAD exomes 0.00006 and 0.00020; TOPMed 0.00018; gnomAD 0.00019; ExAC 0.00022; 1000 Genomes Project 30x 0.00031; 1000 Genomes Project 0.00040.
gnomAD v4.1: 129 of 1,612,530 alleles (0.008%); highest among the groups gnomAD compares: Admixed American, 0.078%; 1 homozygote.

Submission:

Labcorp Genetics (formerly Invitae), Labcorp
Classification: Uncertain significance. Last evaluated: 2021-11-01. Review status: criteria provided, single submitter. Criteria: Invitae Variant Classification Sherloc (09022015). Collection method: clinical testing. Allele origin: germline.
Comment: Algorithms developed to predict the effect of missense changes on protein structure and function are either unavailable or do not agree on the potential impact of this missense change (SIFT: "Deleterious"; PolyPhen-2: "Benign"; Align-GVGD: "Class C0"). In summary, the available evidence is currently insufficient to determine the role of this variant in disease. Therefore, it has been classified as a Variant of Uncertain Significance. This sequence change replaces arginine, which is basic and polar, with tryptophan, which is neutral and slightly polar, at codon 239 of the TNK2 protein (p.Arg239Trp). This variant has not been reported in the literature in individuals affected with TNK2-related conditions. This variant is present in population databases (rs184412835, gnomAD 0.06%), and has an allele count higher than expected for a pathogenic variant.

NM_001382273.1(TNK2):c.526C>T (p.Arg176Trp)

Gene: TNK2 (tyrosine kinase non receptor 2; minus strand). Cytogenetic location: 3q29.
Variant type: single nucleotide variant.
Coding change: c.526C>T on transcript NM_001382273.1 (MANE Select); coding-DNA position 526, C replaced by T.
Protein change: p.Arg176Trp; replaces arginine 176 with tryptophan.
Molecular consequence: missense variant. On other transcripts: non-coding transcript variant (15).
Genome position (GRCh38, 1-based): chr3:195,883,240, G>A on the plus strand (C>T on the coding strand, the complement: TNK2 is on the minus strand). VCF-style: chr3-195883240-G-A. GRCh37 (hg19) VCF-style: chr3-195610111-G-A.
Other names: c.598C>T, p.Arg200Trp (NM_001010938.2, NM_001382272.1, NM_001387708.1 and 1 more transcripts); c.622C>T, p.Arg208Trp (NM_001308046.2, NM_001382271.1, NM_001382275.1 and 1 more transcripts); c.526C>T, p.Arg176Trp (NM_001382274.1, NM_001386164.1, NM_001387709.1 and 12 more transcripts); short protein forms R176W, R200W, R208W.
Identifiers: ClinVar variation 1438030 (VCV001438030.6), dbSNP rs184412835, ClinGen allele CA2776825.